The following is an entry in ClinVar:

NM_001127644.2(GABRA1):c.998C>T (p.Thr333Ile)

Gene: GABRA1 (gamma-aminobutyric acid type A receptor subunit alpha1; plus strand). Cytogenetic location: 5q34.
Variant type: single nucleotide variant.
Coding change: c.998C>T on transcript NM_001127644.2 (MANE Select); coding-DNA position 998, C replaced by T.
Protein change: p.Thr333Ile; replaces threonine 333 with isoleucine.
Molecular consequence: missense variant.
Genome position (GRCh38, 1-based): chr5:161,895,807, C>T. VCF-style: chr5-161895807-C-T. GRCh37 (hg19) VCF-style: chr5-161322813-C-T.
Other names: c.998C>T, p.Thr333Ile (NM_000806.5, NM_001127643.2, NM_001127645.2 and 1 more transcripts); short protein forms T333I.
Identifiers: ClinVar variation 1515325 (VCV001515325.8), dbSNP rs2113464870, ClinGen allele CA362180372.

ClinVar aggregate classification (germline): Uncertain significance (1 of 4 stars; one submission).

Conditions:
Idiopathic generalized epilepsy. Also called: Generalised epilepsy; EIG. Identifiers: MedGen C0270850, MONDO:0005579, OMIM 600669.
Epilepsy, childhood absence 4 (ECA4). Also called: EPILEPSY, CHILDHOOD ABSENCE, SUSCEPTIBILITY TO, 4. Identifiers: Orphanet 307, MedGen C1970160.
Epilepsy, idiopathic generalized, susceptibility to, 13. Also called: EPILEPSY, JUVENILE MYOCLONIC, SUSCEPTIBILITY TO, 5. Identifiers: Orphanet 307, Orphanet 64280, MedGen C4013473, MONDO:0012627, OMIM 611136.

Submission:

Labcorp Genetics (formerly Invitae), Labcorp
Classification: Uncertain significance for Epilepsy, childhood absence 4; Epilepsy, idiopathic generalized, susceptibility to, 13; Idiopathic generalized epilepsy. Last evaluated: 2022-12-06. Review status: criteria provided, single submitter. Criteria: Invitae Variant Classification Sherloc (09022015). Collection method: clinical testing. Allele origin: germline.
Comment: In summary, the available evidence is currently insufficient to determine the role of this variant in disease. Therefore, it has been classified as a Variant of Uncertain Significance. Advanced modeling of protein sequence and biophysical properties (such as structural, functional, and spatial information, amino acid conservation, physicochemical variation, residue mobility, and thermodynamic stability) performed at Invitae indicates that this missense variant is expected to disrupt GABRA1 protein function. ClinVar contains an entry for this variant (Variation ID: 1515325). This variant has not been reported in the literature in individuals affected with GABRA1-related conditions. This variant is not present in population databases (gnomAD no frequency). This sequence change replaces threonine, which is neutral and polar, with isoleucine, which is neutral and non-polar, at codon 333 of the GABRA1 protein (p.Thr333Ile).